The following is an entry in ClinVar:

ClinVar aggregate classification (germline): Uncertain significance (1 of 4 stars; one submission).

Allele frequency attached by ClinVar (database versions not stated): TOPMed below 0.00001; gnomAD exomes 0.00001; ExAC 0.00003; gnomAD 0.00003; 1000 Genomes Project 0.00020; 1000 Genomes Project 30x 0.00047.
gnomAD v4.1: 17 of 1,612,718 alleles (0.0011%); highest among the groups gnomAD compares: South Asian, 0.0088%; no homozygotes.

Submission:

Labcorp Genetics (formerly Invitae), Labcorp
Classification: Uncertain significance. Last evaluated: 2022-05-05. Review status: criteria provided, single submitter. Criteria: Invitae Variant Classification Sherloc (09022015). Collection method: clinical testing. Allele origin: germline.
Comment: This sequence change replaces serine, which is neutral and polar, with leucine, which is neutral and non-polar, at codon 652 of the SLC4A11 protein (p.Ser652Leu). This variant is present in population databases (rs201995424, gnomAD 0.01%). This variant has not been reported in the literature in individuals affected with SLC4A11-related conditions. Algorithms developed to predict the effect of missense changes on protein structure and function output the following: SIFT: "Tolerated"; PolyPhen-2: "Benign"; Align-GVGD: "Class C0". The leucine amino acid residue is found in multiple mammalian species, which suggests that this missense change does not adversely affect protein function. In summary, the available evidence is currently insufficient to determine the role of this variant in disease. Therefore, it has been classified as a Variant of Uncertain Significance.

NM_001174089.2(SLC4A11):c.1907C>T (p.Ser636Leu)

Gene: SLC4A11 (solute carrier family 4 member 11; minus strand). Cytogenetic location: 20p13.
Variant type: single nucleotide variant.
Coding change: c.1907C>T on transcript NM_001174089.2 (MANE Select); coding-DNA position 1907, C replaced by T.
Protein change: p.Ser636Leu; replaces serine 636 with leucine.
Molecular consequence: missense variant. On other transcripts: non-coding transcript variant (3).
Genome position (GRCh38, 1-based): chr20:3,229,206, G>A on the plus strand (C>T on the coding strand, the complement: SLC4A11 is on the minus strand). VCF-style: chr20-3229206-G-A. GRCh37 (hg19) VCF-style: chr20-3209852-G-A.
Other names: c.2036C>T, p.Ser679Leu (NM_001174090.2); c.1793C>T, p.Ser598Leu (NM_001363745.2); c.1850C>T, p.Ser617Leu (NM_001400277.1, NM_001400278.1, NM_001400279.1); c.1922C>T, p.Ser641Leu (NM_001400280.1); c.1955C>T, p.Ser652Leu (NM_032034.4); short protein forms S636L, S652L, S679L, S598L, S617L, S641L.
Identifiers: ClinVar variation 2163681 (VCV002163681.1), dbSNP rs201995424, ClinGen allele CA9741669.